The following is an entry in ClinVar:

NM_001370.2(DNAH6):c.11998+7G>A

Gene: DNAH6 (dynein axonemal heavy chain 6; plus strand). Cytogenetic location: 2p11.2.
Variant type: single nucleotide variant.
Coding change: c.11998+7G>A on transcript NM_001370.2 (MANE Select); 7 bases into the intron after coding-DNA position 11998, G replaced by A.
Molecular consequence: intron variant.
Genome position (GRCh38, 1-based): chr2:84,813,137, G>A. VCF-style: chr2-84813137-G-A. GRCh37 (hg19) VCF-style: chr2-85040261-G-A.
Identifiers: ClinVar variation 3352716 (VCV003352716.1).

ClinVar aggregate classification (germline): Likely benign (0 of 4 stars; one submission).

Conditions:
DNAH6-related disorder. Also called: DNAH6-related condition.

gnomAD v4.1: 4 of 1,549,222 alleles (0.00026%); highest among the groups gnomAD compares: African/African-American, 0.0041%; no homozygotes.

Submission:

PreventionGenetics, part of Exact Sciences
Classification: Likely benign for DNAH6-related condition. Last evaluated: 2024-03-24. Review status: no assertion criteria provided. Collection method: clinical testing. Allele origin: germline.
Comment: This variant is classified as likely benign based on ACMG/AMP sequence variant interpretation guidelines (Richards et al. 2015 PMID: 25741868, with internal and published modifications).